The following is an entry in ClinVar:

ClinVar aggregate classification (germline): Uncertain significance (1 of 4 stars; one submission).

Submission:

Labcorp Genetics (formerly Invitae), Labcorp
Classification: Uncertain significance. Last evaluated: 2023-10-06. Review status: criteria provided, single submitter. Criteria: Invitae Variant Classification Sherloc (09022015). Collection method: clinical testing. Allele origin: germline.
Comment: This sequence change replaces valine, which is neutral and non-polar, with isoleucine, which is neutral and non-polar, at codon 779 of the PROM1 protein (p.Val779Ile). This variant is not present in population databases (gnomAD no frequency). This variant has not been reported in the literature in individuals affected with PROM1-related conditions. Algorithms developed to predict the effect of missense changes on protein structure and function output the following: SIFT: "Not Available"; PolyPhen-2: "Benign"; Align-GVGD: "Not Available". The isoleucine amino acid residue is found in multiple mammalian species, which suggests that this missense change does not adversely affect protein function. In summary, the available evidence is currently insufficient to determine the role of this variant in disease. Therefore, it has been classified as a Variant of Uncertain Significance.

NM_006017.3(PROM1):c.2335G>A (p.Val779Ile)

Gene: PROM1 (prominin 1; minus strand). Cytogenetic location: 4p15.32.
Variant type: single nucleotide variant.
Coding change: c.2335G>A on transcript NM_006017.3 (MANE Select); coding-DNA position 2335, G replaced by A.
Protein change: p.Val779Ile; replaces valine 779 with isoleucine.
Molecular consequence: missense variant.
Genome position (GRCh38, 1-based): chr4:15,984,301, C>T on the plus strand (G>A on the coding strand, the complement: PROM1 is on the minus strand). VCF-style: chr4-15984301-C-T. GRCh37 (hg19) VCF-style: chr4-15985924-C-T.
Other names: c.2308G>A, p.Val770Ile (NM_001145847.2, NM_001145848.2, NM_001145851.2 and 4 more transcripts); c.2335G>A, p.Val779Ile (NM_001145849.2, NM_001145850.2); short protein forms V770I, V779I.
Identifiers: ClinVar variation 2766570 (VCV002766570.3), dbSNP rs747305691, ClinGen allele CA356426967.
Genomic context (GRCh38, chr4:15,984,301, plus strand): 5'-CTTTTGAAAGATGAAATCTTACCAAGGGGTCGATAATGTAGCTACACAGAAAGACATCAA[C>T]AGCAGTATCTAGAGCGGTGGCCACAGGTTTGCACGATGCCACTTTCTCACTGATCTAGGG-3'
Protein context (NP_006008.1, residues 769-789): KPVATALDTA[Val779Ile]DVFLCSYIID